The following is an entry in ClinVar:

NM_005861.4(STUB1):c.627G>A (p.Ala209=)

Genes: JMJD8 (jumonji domain containing 8; minus strand), STUB1 (STIP1 homology and U-box containing protein 1; plus strand). Cytogenetic location: 16p13.3.
Variant type: single nucleotide variant.
Coding change: c.627G>A on transcript NM_005861.4 (MANE Select); coding-DNA position 627, G replaced by A.
Protein change: p.Ala209=; no amino-acid change (alanine 209 retained).
Molecular consequence: synonymous variant. On other transcripts: 3 prime UTR variant (5), non-coding transcript variant (3).
Genome position (GRCh38, 1-based): chr16:682,034, G>A. VCF-style: chr16-682034-G-A. GRCh37 (hg19) VCF-style: chr16-732034-G-A.
Other names: c.411G>A, p.Ala137= (NM_001293197.2); c.*760C>T (NM_001005920.4, NM_001323919.3, NM_001323920.3); c.*794C>T (NM_001323918.3, NM_001323922.3).
Identifiers: ClinVar variation 2645848 (VCV002645848.27), dbSNP rs769400605, ClinGen allele CA7786740.

ClinVar aggregate classification (germline): Likely benign. Review status: criteria provided, multiple submitters, no conflicts (2 of 4 stars). 2 submissions from 2 submitters: Likely benign (2). Last evaluated 2023-05-22.

Allele frequency attached by ClinVar (database versions not stated): ExAC 0.00002.
gnomAD v4.1: 58 of 1,592,610 alleles (0.0036%); highest among the groups gnomAD compares: South Asian, 0.029%; no homozygotes.

Submissions (2):

Labcorp Genetics (formerly Invitae), Labcorp
Classification: Likely benign. Last evaluated: 2023-05-22. Review status: criteria provided, single submitter. Criteria: Invitae Variant Classification Sherloc (09022015). Collection method: clinical testing. Allele origin: germline.

CeGaT Center for Human Genetics Tuebingen
Classification: Likely benign. Last evaluated: 2022-12-01. Review status: criteria provided, single submitter. Criteria: CeGaT Center For Human Genetics Tuebingen Variant Classification Criteria Version 2. Collection method: clinical testing. Allele origin: germline. Affected: yes. Observed: 1 variant allele.
Comment: STUB1: BP4, BP7